The following is an entry in ClinVar:

ClinVar aggregate classification (germline): Benign. Review status: criteria provided, multiple submitters, no conflicts (2 of 4 stars). 3 submissions from 3 submitters: Benign (2). 1 of the submissions does not count toward it. Last evaluated 2018-07-09.

Allele frequency attached by ClinVar (database versions not stated): 1000 Genomes Project 0.40835; 1000 Genomes Project 30x 0.41052; gnomAD exomes 0.42200; TOPMed 0.44502; gnomAD 0.44706 and 0.45297.

Submissions (3):

GeneDx
Classification: Benign. Last evaluated: 2018-07-09. Review status: criteria provided, single submitter. Criteria: GeneDx Variant Classification Process June 2021. Collection method: clinical testing. Allele origin: germline. Affected: yes.
Comment: This variant is associated with the following publications: (PMID: 20946255, 23903069)

Breakthrough Genomics
Classification: Benign. Review status: criteria provided, single submitter. Criteria: ACMG Guidelines, 2015. Collection method: not provided. Allele origin: germline. Inheritance: Autosomal dominant inheritance. Affected: yes.

Epithelial Biology;  Institute of Medical Biology, Singapore
No classification provided. Review status: no classification provided. Collection method: not provided. Allele origin: not provided. Not counted in ClinVar's aggregate classification.

NM_002055.4(GFAP):c.-264C>A

Gene: GFAP (glial fibrillary acidic protein; minus strand). Cytogenetic location: 17q21.31.
Variant type: single nucleotide variant.
Coding change: c.-264C>A on transcript NM_002055.4; 264 bases upstream of the start codon, C replaced by A.
Genome position (GRCh38, 1-based): chr17:44,915,750, G>T on the plus strand (C>A on the coding strand, the complement: GFAP is on the minus strand). VCF-style: chr17-44915750-G-T. GRCh37 (hg19) VCF-style: chr17-42993118-G-T.
Identifiers: ClinVar variation 66426 (VCV000066426.6), dbSNP rs2070935, ClinGen allele CA217098.